The following is an entry in ClinVar:

NM_005732.4(RAD50):c.1237C>T (p.Gln413Ter)

Gene: RAD50 (RAD50 double strand break repair protein; plus strand). Cytogenetic location: 5q31.1.
Variant type: single nucleotide variant.
Coding change: c.1237C>T on transcript NM_005732.4 (MANE Select); coding-DNA position 1237, C replaced by T.
Protein change: p.Gln413Ter; replaces glutamine 413 with a stop codon.
Molecular consequence: nonsense.
Genome position (GRCh38, 1-based): chr5:132,588,872, C>T. VCF-style: chr5-132588872-C-T. GRCh37 (hg19) VCF-style: chr5-131924564-C-T.
Other names: short protein forms Q413*.
Identifiers: ClinVar variation 184469 (VCV000184469.19), dbSNP rs373428259, ClinGen allele CA189053.

ClinVar aggregate classification (germline): Pathogenic/Likely pathogenic. Review status: criteria provided, multiple submitters, no conflicts (2 of 4 stars). 5 submissions from 5 submitters: Pathogenic (3); Likely pathogenic (2). Last evaluated 2023-11-13.

Conditions:
Nijmegen breakage syndrome-like disorder (NBSLD). Also called: MICROCEPHALY AND SPONTANEOUS CHROMOSOME INSTABILITY WITHOUT IMMUNODEFICIENCY; NBS-LIKE DISORDER; RAD50 DEFICIENCY. Identifiers: Orphanet 240760, MedGen C2751318, MONDO:0013118, OMIM 613078.
Hereditary cancer-predisposing syndrome. Also called: Hereditary neoplastic syndrome; Neoplastic Syndromes, Hereditary; Tumor predisposition; Hereditary Cancer Syndrome. Identifiers: Orphanet 140162, MedGen C0027672, MeSH D009386, MONDO:0015356.
Hereditary breast ovarian cancer syndrome. Also called: Hereditary breast and ovarian cancer syndrome (HBOC); Breast and ovarian cancer; Hereditary breast and/or ovarian cancer syndrome; BRCA1- and BRCA2-Associated Hereditary Breast and Ovarian Cancer; Hereditary breast and ovarian cancer syndrome; Hereditary breast and ovarian cancer. Identifiers: Orphanet 145, MedGen C0677776, MeSH D061325, MONDO:0003582. Disease mechanism: loss of function.

Allele frequency attached by ClinVar (database versions not stated): TOPMed below 0.00001; gnomAD 0.00001; ESP Exome Variant Server 0.00008.
gnomAD v4.1: 4 of 1,608,464 alleles (0.00025%); highest among the groups gnomAD compares: African/African-American, 0.0013%; no homozygotes.

Submissions (5):

Labcorp Genetics (formerly Invitae), Labcorp
Classification: Pathogenic for Hereditary cancer-predisposing syndrome. Last evaluated: 2023-11-13. Review status: criteria provided, single submitter. Criteria: Invitae Variant Classification Sherloc (09022015). Collection method: clinical testing. Allele origin: germline.
Comment: This sequence change creates a premature translational stop signal (p.Gln413*) in the RAD50 gene. It is expected to result in an absent or disrupted protein product. Loss-of-function variants in RAD50 are known to be pathogenic (PMID: 19409520). This variant is present in population databases (rs373428259, gnomAD 0.0009%). This variant has not been reported in the literature in individuals affected with RAD50-related conditions. ClinVar contains an entry for this variant (Variation ID: 184469). For these reasons, this variant has been classified as Pathogenic.

Ambry Genetics
Classification: Pathogenic for Hereditary cancer-predisposing syndrome. Last evaluated: 2023-04-28. Review status: criteria provided, single submitter. Criteria: Ambry Variant Classification Scheme 2023. Collection method: clinical testing. Allele origin: germline.
Comment: The p.Q413* pathogenic mutation (also known as c.1237C>T), located in coding exon 8 of the RAD50 gene, results from a C to T substitution at nucleotide position 1237. This changes the amino acid from a glutamine to a stop codon within coding exon 8. This alteration is expected to result in loss of function by premature protein truncation or nonsense-mediated mRNA decay. As such, this alteration is interpreted as a disease-causing mutation.

Fulgent Genetics
Classification: Pathogenic for Nijmegen breakage syndrome-like disorder. Last evaluated: 2022-04-26. Review status: criteria provided, single submitter. Criteria: ACMG Guidelines, 2015. Collection method: clinical testing. Allele origin: unknown.

Baylor Genetics
Classification: Likely pathogenic for Nijmegen breakage syndrome-like disorder. Last evaluated: 2022-02-02. Review status: criteria provided, single submitter. Criteria: ACMG Guidelines, 2015. Collection method: clinical testing. Allele origin: unknown.

Women's Health and Genetics/Laboratory Corporation of America, LabCorp
Classification: Likely pathogenic for Hereditary breast and ovarian cancer syndrome. Last evaluated: 2019-02-14. Review status: criteria provided, single submitter. Criteria: LabCorp Variant Classification Summary - May 2015. Collection method: clinical testing. Allele origin: germline.
Comment: Variant summary: The variant, RAD50 c.1237C>T (p.Gln413X) results in a premature termination codon, predicted to cause a truncation of the encoded protein or absence of the protein due to nonsense mediated decay, which are commonly known mechanisms for disease. The variant allele was found at a frequency of 4.1e-06 in 245024 control chromosomes (gnomAD). To our knowledge, no occurrence of c.1237C>T in individuals affected with Hereditary Breast and Ovarian Cancer and no experimental evidence demonstrating its impact on protein function have been reported. Two clinical diagnostic laboratories have submitted clinical-significance assessments for this variant to ClinVar after 2014 without evidence for independent evaluation and classified the variant as pathogenic. Based on the evidence outlined above, the variant was classified as likely pathogenic.

Literature cited by the submitters: PubMed 19409520 (cited by Labcorp Genetics (formerly Invitae), Labcorp).